The following is an entry in ClinVar:

ClinVar aggregate classification (germline): Uncertain significance (1 of 4 stars; one submission).

Conditions:
Joubert syndrome. Also called: CEREBELLOPARENCHYMAL DISORDER IV; JOUBERT-BOLTSHAUSER SYNDROME; Familial aplasia of the vermis. Identifiers: Orphanet 475, MedGen C5979921, MONDO:0018772.

Allele frequency attached by ClinVar (database versions not stated): TOPMed 0.00001.

Submission:

Labcorp Genetics (formerly Invitae), Labcorp
Classification: Uncertain significance for Joubert syndrome. Last evaluated: 2021-05-19. Review status: criteria provided, single submitter. Criteria: Invitae Variant Classification Sherloc (09022015). Collection method: clinical testing. Allele origin: germline.
Comment: This variant has not been reported in the literature in individuals with TMEM216-related conditions. In summary, the available evidence is currently insufficient to determine the role of this variant in disease. Therefore, it has been classified as a Variant of Uncertain Significance. Algorithms developed to predict the effect of missense changes on protein structure and function are either unavailable or do not agree on the potential impact of this missense change (SIFT: "Deleterious"; PolyPhen-2: "Benign"; Align-GVGD: "Class C0"). The frequency data for this variant in the population databases is considered unreliable, as metrics indicate insufficient coverage at this position in the ExAC database. This sequence change replaces leucine with valine at codon 2 of the TMEM216 protein (p.Leu2Val). The leucine residue is weakly conserved and there is a small physicochemical difference between leucine and valine.

NM_001173990.3(TMEM216):c.4C>G (p.Leu2Val)

Gene: TMEM216 (transmembrane protein 216; plus strand). Cytogenetic location: 11q12.2.
Variant type: single nucleotide variant.
Coding change: c.4C>G on transcript NM_001173990.3 (MANE Select); coding-DNA position 4, C replaced by G.
Protein change: p.Leu2Val; replaces leucine 2 with valine.
Molecular consequence: missense variant. On other transcripts: 5 prime UTR variant (2).
Genome position (GRCh38, 1-based): chr11:61,392,635, C>G. VCF-style: chr11-61392635-C-G. GRCh37 (hg19) VCF-style: chr11-61160107-C-G.
Other names: c.4C>G, p.Leu2Val (NM_001173991.3); c.-194C>G (NM_001330285.2, NM_016499.6); short protein forms L2V.
Identifiers: ClinVar variation 1503147 (VCV001503147.8), dbSNP rs1554972407, ClinGen allele CA380684463.
Genomic context (GRCh38, chr11:61,392,635, plus strand): 5'-CGCTTCGTCCCTGTTTCCGGCAGCGCCGCGCTGCTCCGGGAGCCGCTGTGGCAGCGTATG[C>G]TGCCACGGGGACTGAAGATGGCGCCGCGAGGTGAGATTCCGGAGGTGTGTGAGTCGCTGG-3'
Protein context (NP_001167461.1, residues 1-12): M[Leu2Val]PRGLKMAPRG